The following is an entry in ClinVar:

NM_001267550.2(TTN):c.104240G>A (p.Arg34747Lys)

Genes: TTN (titin; minus strand), TTN-AS1 (TTN antisense RNA 1; plus strand). Cytogenetic location: 2q31.2.
Variant type: single nucleotide variant.
Coding change: c.104240G>A on transcript NM_001267550.2 (MANE Select); coding-DNA position 104240, G replaced by A.
Protein change: p.Arg34747Lys; replaces arginine 34747 with lysine.
Molecular consequence: missense variant.
Genome position (GRCh38, 1-based): chr2:178,532,375, C>T on the plus strand (G>A on the coding strand, the complement: TTN is on the minus strand). VCF-style: chr2-178532375-C-T. GRCh37 (hg19) VCF-style: chr2-179397102-C-T.
Other names: c.99317G>A, p.Arg33106Lys (NM_001256850.1); c.77045G>A, p.Arg25682Lys (NM_003319.4); c.96536G>A, p.Arg32179Lys (NM_133378.4); c.77420G>A, p.Arg25807Lys (NM_133432.3); c.77621G>A, p.Arg25874Lys (NM_133437.4); short protein forms R25682K, R25807K, R25874K, R32179K, R33106K, R34747K.
Identifiers: ClinVar variation 4531098 (VCV004531098.1).

ClinVar aggregate classification (germline): Uncertain significance (1 of 4 stars; one submission).

Submission:

GeneDx
Classification: Uncertain significance. Last evaluated: 2025-05-22. Review status: criteria provided, single submitter. Criteria: GeneDx Variant Classification Process June 2021. Collection method: clinical testing. Allele origin: germline. Affected: yes.
Comment: Not observed at significant frequency in large population cohorts (gnomAD); Missense variant in a gene in which most reported pathogenic variants are truncating/loss of function; Has not been previously published as pathogenic or benign to our knowledge